The following is an entry in ClinVar:

ClinVar aggregate classification (germline): Likely benign. Review status: criteria provided, multiple submitters, no conflicts (2 of 4 stars). 4 submissions from 4 submitters: Likely benign (3). 1 of the submissions does not count toward it. Last evaluated 2025-10-20.

Conditions:
MYH7-related disorder. Also called: MYH7-related condition; MYH7-related disease; MYH7-related disorders.
Hypertrophic cardiomyopathy. Also called: HYPERTROPHIC MYOCARDIOPATHY. Identifiers: Orphanet 217569, MedGen C0007194, MeSH D002312, MONDO:0005045, HP:0001639.
Cardiovascular phenotype. Identifiers: MedGen CN230736.
Cardiomyopathy (CMYO). Also called: Cardiomyopathies. Identifiers: Orphanet 167848, MedGen C0878544, MONDO:0004994, HP:0001638. Inheritance: Various modes of inheritance.

Allele frequency attached by ClinVar (database versions not stated): gnomAD exomes below 0.00001; gnomAD 0.00001.
gnomAD v4.1: 3 of 1,614,204 alleles (0.00019%); highest among the groups gnomAD compares: Non-Finnish European, 0.00025%; no homozygotes.

Submissions (4):

Labcorp Genetics (formerly Invitae), Labcorp
Classification: Likely benign for Hypertrophic cardiomyopathy. Last evaluated: 2025-10-20. Review status: criteria provided, single submitter. Criteria: Invitae Variant Classification Sherloc (09022015). Collection method: clinical testing. Allele origin: germline.

Color Diagnostics, LLC DBA Color Health
Classification: Likely benign for Cardiomyopathy. Last evaluated: 2022-03-02. Review status: criteria provided, single submitter. Criteria: ACMG Guidelines, 2015. Collection method: clinical testing. Allele origin: germline.

Ambry Genetics
Classification: Likely benign for Cardiovascular phenotype. Last evaluated: 2021-07-20. Review status: criteria provided, single submitter. Criteria: Ambry Variant Classification Scheme 2023. Collection method: clinical testing. Allele origin: germline.

PreventionGenetics, part of Exact Sciences
Classification: Likely benign for MYH7-related condition. Last evaluated: 2020-08-13. Review status: no assertion criteria provided. Collection method: clinical testing. Allele origin: germline. Not counted in ClinVar's aggregate classification.
Comment: This variant is classified as likely benign based on ACMG/AMP sequence variant interpretation guidelines (Richards et al. 2015 PMID: 25741868, with internal and published modifications).

NM_000257.4(MYH7):c.4572T>C (p.His1524=)

Genes: MHRT (myosin heavy chain associated RNA transcript; plus strand), MYH7 (myosin heavy chain 7; minus strand). Cytogenetic location: 14q11.2.
Variant type: single nucleotide variant.
Coding change: c.4572T>C on transcript NM_000257.4 (MANE Select); coding-DNA position 4572, T replaced by C.
Protein change: p.His1524=; no amino-acid change (histidine 1524 retained).
Molecular consequence: synonymous variant. On other transcripts: non-coding transcript variant (1).
Genome position (GRCh38, 1-based): chr14:23,416,940, A>G on the plus strand (T>C on the coding strand, the complement: MYH7 is on the minus strand). VCF-style: chr14-23416940-A-G. GRCh37 (hg19) VCF-style: chr14-23886149-A-G.
Other names: c.4572T>C (NM_000257.3).
Identifiers: ClinVar variation 1107242 (VCV001107242.14), dbSNP rs1246893810, ClinGen allele CA485616317.